The following is an entry in ClinVar:

NM_004260.4(RECQL4):c.2794C>T (p.His932Tyr)

Gene: RECQL4 (RecQ like helicase 4; minus strand). Cytogenetic location: 8q24.3.
Variant type: single nucleotide variant.
Coding change: c.2794C>T on transcript NM_004260.4 (MANE Select); coding-DNA position 2794, C replaced by T.
Protein change: p.His932Tyr; replaces histidine 932 with tyrosine.
Molecular consequence: missense variant.
Genome position (GRCh38, 1-based): chr8:144,512,733, G>A on the plus strand (C>T on the coding strand, the complement: RECQL4 is on the minus strand). VCF-style: chr8-144512733-G-A. GRCh37 (hg19) VCF-style: chr8-145738116-G-A.
Other names: short protein forms H932Y.
Identifiers: ClinVar variation 459434 (VCV000459434.5), dbSNP rs1554897279, ClinGen allele CA372674432.

ClinVar aggregate classification (germline): Uncertain significance (1 of 4 stars; one submission).

Conditions:
Baller-Gerold syndrome (BGS). Also called: CRANIOSYNOSTOSIS WITH RADIAL DEFECTS. Identifiers: Orphanet 1225, MedGen C0265308, MONDO:0009039, OMIM 218600.

Allele frequency attached by ClinVar (database versions not stated): gnomAD exomes below 0.00001.
gnomAD v4.1: 3 of 1,612,260 alleles (0.00019%); highest among the groups gnomAD compares: Non-Finnish European, 0.00017%; no homozygotes.

Submission:

Labcorp Genetics (formerly Invitae), Labcorp
Classification: Uncertain significance for Baller-Gerold syndrome. Last evaluated: 2022-09-23. Review status: criteria provided, single submitter. Criteria: Invitae Variant Classification Sherloc (09022015). Collection method: clinical testing. Allele origin: germline.
Comment: This sequence change replaces histidine, which is basic and polar, with tyrosine, which is neutral and polar, at codon 932 of the RECQL4 protein (p.His932Tyr). This variant is not present in population databases (gnomAD no frequency). This variant has not been reported in the literature in individuals affected with RECQL4-related conditions. ClinVar contains an entry for this variant (Variation ID: 459434). In summary, the available evidence is currently insufficient to determine the role of this variant in disease. Therefore, it has been classified as a Variant of Uncertain Significance.